The following is an entry in ClinVar:

NM_025130.4(HKDC1):c.1111G>A (p.Val371Ile)

Gene: HKDC1 (hexokinase domain containing 1; plus strand). Cytogenetic location: 10q22.1.
Variant type: single nucleotide variant.
Coding change: c.1111G>A on transcript NM_025130.4 (MANE Select); coding-DNA position 1111, G replaced by A.
Protein change: p.Val371Ile; replaces valine 371 with isoleucine.
Molecular consequence: missense variant.
Genome position (GRCh38, 1-based): chr10:69,247,439, G>A. VCF-style: chr10-69247439-G-A. GRCh37 (hg19) VCF-style: chr10-71007195-G-A.
Other names: short protein forms V371I.
Identifiers: ClinVar variation 3858034 (VCV003858034.3).

ClinVar aggregate classification (germline): Uncertain significance. Review status: criteria provided, multiple submitters, no conflicts (2 of 4 stars). 2 submissions from 2 submitters: Uncertain significance (2). Last evaluated 2025-01-01.

Submissions (2):

Ambry Genetics
Classification: Uncertain significance. Last evaluated: 2025-01-01. Review status: criteria provided, single submitter. Criteria: Ambry Variant Classification Scheme 2023. Collection method: clinical testing. Allele origin: germline.

Dasa
Classification: Uncertain significance. Last evaluated: 2024-11-04. Review status: criteria provided, single submitter. Criteria: DASA Assertion Criteria. Collection method: clinical testing. Allele origin: germline.
Comment: NM_025130.4(HKDC1):c.1111G>A (p.Val371Ile) is a missense variant that results in the substitution of valine with isoleucine. This variant is rare in population databases. The currently available literature and clinical evidence are not sufficient to establish a definitive association between this variant and the reported condition. Therefore, this variant is classified as a variant of uncertain significance.